The following is an entry in ClinVar:

ClinVar aggregate classification (germline): Uncertain significance (1 of 4 stars; one submission).

Allele frequency attached by ClinVar (database versions not stated): gnomAD 0.00001; gnomAD exomes 0.00001 and 0.00002; TOPMed 0.00001.
gnomAD v4.1: 24 of 1,613,804 alleles (0.0015%); highest among the groups gnomAD compares: Non-Finnish European, 0.002%; no homozygotes.

Submission:

Labcorp Genetics (formerly Invitae), Labcorp
Classification: Uncertain significance. Last evaluated: 2022-06-27. Review status: criteria provided, single submitter. Criteria: Invitae Variant Classification Sherloc (09022015). Collection method: clinical testing. Allele origin: germline.
Comment: This sequence change replaces serine with asparagine at codon 203 of the ADD3 protein (p.Ser203Asn). The serine residue is moderately conserved and there is a small physicochemical difference between serine and asparagine. This variant is present in population databases (no rsID available, gnomAD 0.003%). This variant has not been reported in the literature in individuals affected with ADD3-related conditions. Algorithms developed to predict the effect of missense changes on protein structure and function are either unavailable or do not agree on the potential impact of this missense change (SIFT: "Not Available"; PolyPhen-2: "Possibly Damaging"; Align-GVGD: "Not Available"). In summary, the available evidence is currently insufficient to determine the role of this variant in disease. Therefore, it has been classified as a Variant of Uncertain Significance.

NM_016824.5(ADD3):c.608G>A (p.Ser203Asn)

Gene: ADD3 (adducin 3; plus strand). Cytogenetic location: 10q25.2.
Variant type: single nucleotide variant.
Coding change: c.608G>A on transcript NM_016824.5 (MANE Select); coding-DNA position 608, G replaced by A.
Protein change: p.Ser203Asn; replaces serine 203 with asparagine.
Molecular consequence: missense variant.
Genome position (GRCh38, 1-based): chr10:110,118,627, G>A. VCF-style: chr10-110118627-G-A. GRCh37 (hg19) VCF-style: chr10-111878385-G-A.
Other names: c.608G>A, p.Ser203Asn (NM_001121.4, NM_001320591.2, NM_001320592.2 and 2 more transcripts); c.374G>A, p.Ser125Asn (NM_001320594.2); short protein forms S125N, S203N.
Identifiers: ClinVar variation 1389613 (VCV001389613.6), dbSNP rs1422540227, ClinGen allele CA378366985.